The following is an entry in ClinVar:

NM_013382.7(POMT2):c.616G>C (p.Ala206Pro)

Gene: POMT2 (protein O-mannosyltransferase 2; minus strand). Cytogenetic location: 14q24.3.
Variant type: single nucleotide variant.
Coding change: c.616G>C on transcript NM_013382.7 (MANE Select); coding-DNA position 616, G replaced by C.
Protein change: p.Ala206Pro; replaces alanine 206 with proline.
Molecular consequence: missense variant.
Genome position (GRCh38, 1-based): chr14:77,302,875, C>G on the plus strand (G>C on the coding strand, the complement: POMT2 is on the minus strand). VCF-style: chr14-77302875-C-G. GRCh37 (hg19) VCF-style: chr14-77769218-C-G.
Other names: short protein forms A206P.
Identifiers: ClinVar variation 4536306 (VCV004536306.1).

ClinVar aggregate classification (germline): Uncertain significance (1 of 4 stars; one submission).

Submission:

GeneDx
Classification: Uncertain significance. Last evaluated: 2025-06-08. Review status: criteria provided, single submitter. Criteria: GeneDx Variant Classification Process June 2021. Collection method: clinical testing. Allele origin: germline. Affected: yes.
Comment: Not observed at significant frequency in large population cohorts (gnomAD); In silico analysis supports that this missense variant has a deleterious effect on protein structure/function; Has not been previously published as pathogenic or benign to our knowledge; This variant is associated with the following publications: (PMID: 17923109)